The following is an entry in ClinVar:

ClinVar aggregate classification (germline): Uncertain significance (1 of 4 stars; one submission).

Conditions:
Hereditary sensory neuropathy-deafness-dementia syndrome. Also called: Hereditary sensory neuropathy type IE; HSN IE; NEUROPATHY, HEREDITARY SENSORY, WITH HEARING LOSS AND DEMENTIA; Hereditary Sensory and Autonomic Neuropathy Type 1E (HSAN1E). Identifiers: Orphanet 456318, MedGen C3279885, MONDO:0013584, OMIM 614116.

Allele frequency attached by ClinVar (database versions not stated): gnomAD exomes below 0.00001; gnomAD 0.00002; TOPMed 0.00002.
gnomAD v4.1: 6 of 1,613,412 alleles (0.00037%); highest among the groups gnomAD compares: African/African-American, 0.008%; no homozygotes.

Submission:

Labcorp Genetics (formerly Invitae), Labcorp
Classification: Uncertain significance for Hereditary sensory neuropathy-deafness-dementia syndrome. Last evaluated: 2019-07-19. Review status: criteria provided, single submitter. Criteria: Invitae Variant Classification Sherloc (09022015). Collection method: clinical testing. Allele origin: germline.
Comment: In summary, the available evidence is currently insufficient to determine the role of this variant in disease. Therefore, it has been classified as a Variant of Uncertain Significance. Algorithms developed to predict the effect of missense changes on protein structure and function are either unavailable or do not agree on the potential impact of this missense change (SIFT: "Deleterious"; PolyPhen-2: "Probably Damaging"; Align-GVGD: "Class C0"). This variant has not been reported in the literature in individuals with DNMT1-related conditions. This variant is not present in population databases (ExAC no frequency). This sequence change replaces cysteine with serine at codon 1310 of the DNMT1 protein (p.Cys1310Ser). The cysteine residue is highly conserved and there is a moderate physicochemical difference between cysteine and serine.

NM_001130823.3(DNMT1):c.3929G>C (p.Cys1310Ser)

Gene: DNMT1 (DNA methyltransferase 1; minus strand). Cytogenetic location: 19p13.2.
Variant type: single nucleotide variant.
Coding change: c.3929G>C on transcript NM_001130823.3 (MANE Select); coding-DNA position 3929, G replaced by C.
Protein change: p.Cys1310Ser; replaces cysteine 1310 with serine.
Molecular consequence: missense variant.
Genome position (GRCh38, 1-based): chr19:10,139,695, C>G on the plus strand (G>C on the coding strand, the complement: DNMT1 is on the minus strand). VCF-style: chr19-10139695-C-G. GRCh37 (hg19) VCF-style: chr19-10250371-C-G.
Other names: c.3881G>C, p.Cys1294Ser (NM_001318730.2, NM_001379.4); c.3566G>C, p.Cys1189Ser (NM_001318731.2); short protein forms C1189S, C1294S, C1310S.
Identifiers: ClinVar variation 952199 (VCV000952199.9), dbSNP rs1442277728, ClinGen allele CA403972186.